The following is an entry in ClinVar:

ClinVar aggregate classification (germline): Likely pathogenic (1 of 4 stars; one submission).

Submission:

Labcorp Genetics (formerly Invitae), Labcorp
Classification: Likely pathogenic. Last evaluated: 2023-10-07. Review status: criteria provided, single submitter. Criteria: Invitae Variant Classification Sherloc (09022015). Collection method: clinical testing. Allele origin: germline.
Comment: This sequence change replaces glycine, which is neutral and non-polar, with arginine, which is basic and polar, at codon 1057 of the COL4A5 protein (p.Gly1057Arg). This variant is not present in population databases (gnomAD no frequency). This missense change has been observed in individual(s) with clinical features of Alport syndrome (Invitae). Advanced modeling of protein sequence and biophysical properties (such as structural, functional, and spatial information, amino acid conservation, physicochemical variation, residue mobility, and thermodynamic stability) performed at Invitae indicates that this missense variant is expected to disrupt COL4A5 protein function. This variant disrupts the triple helix domain of COL4A5. Glycine residues within the Gly-Xaa-Yaa repeats of the triple helix domain are required for the structure and stability of fibrillar collagens (PMID: 7695699, 8218237, 19344236). In COL4A5, missense variants at these glycine residues are significantly enriched in individuals with disease (PMID: 23720012, 27627812) compared to the general population (ExAC). This variant disrupts the p.Gly1057 amino acid residue in COL4A5. Other variant(s) that disrupt this residue have been observed in individuals with COL4A5-related conditions (PMID: 30577881), which suggests that this may be a clinically significant amino acid residue. In summary, the currently available evidence indicates that the variant is pathogenic, but additional data are needed to prove that conclusively. Therefore, this variant has been classified as Likely Pathogenic.

Literature cited by the submitters: PubMed 7695699; PubMed 8218237; PubMed 19344236; PubMed 23720012; PubMed 27627812; PubMed 30577881.

NM_033380.3(COL4A5):c.3169G>C (p.Gly1057Arg)

Gene: COL4A5 (collagen type IV alpha 5 chain; plus strand). Cytogenetic location: Xq22.3.
Variant type: single nucleotide variant.
Coding change: c.3169G>C on transcript NM_033380.3 (MANE Select); coding-DNA position 3169, G replaced by C.
Protein change: p.Gly1057Arg; replaces glycine 1057 with arginine.
Molecular consequence: missense variant.
Genome position (GRCh38, 1-based): chrX:108,626,272, G>C. VCF-style: chrX-108626272-G-C. GRCh37 (hg19) VCF-style: chrX-107869502-G-C.
Other names: c.3169G>C, p.Gly1057Arg (NM_000495.5); short protein forms G1057R.
Identifiers: ClinVar variation 2766704 (VCV002766704.3), dbSNP rs104886216, ClinGen allele CA413854967.